The following is an entry in ClinVar:

NM_002633.3(PGM1):c.649C>T (p.Arg217Ter)

Gene: PGM1 (phosphoglucomutase 1; plus strand). Cytogenetic location: 1p31.3.
Variant type: single nucleotide variant.
Coding change: c.649C>T on transcript NM_002633.3 (MANE Select); coding-DNA position 649, C replaced by T.
Protein change: p.Arg217Ter; replaces arginine 217 with a stop codon.
Molecular consequence: nonsense.
Genome position (GRCh38, 1-based): chr1:63,631,749, C>T. VCF-style: chr1-63631749-C-T. GRCh37 (hg19) VCF-style: chr1-64097420-C-T.
Other names: c.703C>T, p.Arg235Ter (NM_001172818.1); c.58C>T, p.Arg20Ter (NM_001172819.2); short protein forms R217*, R20*, R235*.
Identifiers: ClinVar variation 499573 (VCV000499573.10), dbSNP rs770066171, ClinGen allele CA889590.
Genomic context (GRCh38, chr1:63,631,749, plus strand): 5'-ACAATGCTGAGAAGCATCTTTGATTTCAGTGCACTGAAAGAACTACTTTCTGGGCCAAAC[C>T]GACTGAAGATCCGTATTGATGCTATGCATGGAGGTATACAATCATTTCTTTTCAATTCCC-3'

ClinVar aggregate classification (germline): Pathogenic. Review status: criteria provided, multiple submitters, no conflicts (2 of 4 stars). 2 submissions from 2 submitters: Pathogenic (2). Last evaluated 2023-07-13.

Conditions:
PGM1-congenital disorder of glycosylation. Also called: Congenital disorder of glycosylation type 1t; GSD XIV; PHOSPHOGLUCOMUTASE 1 DEFICIENCY; PGM1 DEFICIENCY; GLYCOGEN STORAGE DISEASE XIV; CDG It. Identifiers: Orphanet 319646, MedGen C2752015, MONDO:0013968, OMIM 614921.

Allele frequency attached by ClinVar (database versions not stated): ExAC 0.00001; gnomAD exomes 0.00001.
gnomAD v4.1: 9 of 1,613,604 alleles (0.00056%); highest among the groups gnomAD compares: South Asian, 0.0044%; no homozygotes.

Submissions (2):

Labcorp Genetics (formerly Invitae), Labcorp
Classification: Pathogenic for PGM1-congenital disorder of glycosylation. Last evaluated: 2023-07-13. Review status: criteria provided, single submitter. Criteria: Invitae Variant Classification Sherloc (09022015). Collection method: clinical testing. Allele origin: germline.
Comment: This sequence change creates a premature translational stop signal (p.Arg217*) in the PGM1 gene. It is expected to result in an absent or disrupted protein product. Loss-of-function variants in PGM1 are known to be pathogenic (PMID: 22492991). This variant is present in population databases (rs770066171, gnomAD 0.01%). This variant has not been reported in the literature in individuals affected with PGM1-related conditions. ClinVar contains an entry for this variant (Variation ID: 499573). For these reasons, this variant has been classified as Pathogenic.

Eurofins Ntd Llc (ga)
Classification: Pathogenic. Last evaluated: 2017-01-12. Review status: criteria provided, single submitter. Criteria: EGL Classification Definitions 2015. Collection method: clinical testing. Allele origin: germline. Observed: 1 variant allele, 1 heterozygote.

Literature cited by the submitters: PubMed 22492991 (cited by Labcorp Genetics (formerly Invitae), Labcorp).